The following is an entry in ClinVar:

NM_000533.5(PLP1):c.418C>T (p.His140Tyr)

Genes: PLP1 (proteolipid protein 1; plus strand), RAB9B (RAB9B, member RAS oncogene family; minus strand). Cytogenetic location: Xq22.2.
Variant type: single nucleotide variant.
Coding change: c.418C>T on transcript NM_000533.5 (MANE Select); coding-DNA position 418, C replaced by T.
Protein change: p.His140Tyr; replaces histidine 140 with tyrosine.
Molecular consequence: missense variant. On other transcripts: intron variant (1).
Genome position (GRCh38, 1-based): chrX:103,786,691, C>T. VCF-style: chrX-103786691-C-T. GRCh37 (hg19) VCF-style: chrX-103041620-C-T.
Other names: H139Y; c.418C>T, p.His140Tyr (NM_001128834.3); c.253C>T, p.His85Tyr (NM_001305004.1); c.348+70C>T (NM_199478.3); c.418C>T (NM_000533.3); short protein forms H140Y, H85Y.
Identifiers: ClinVar variation 11084 (VCV000011084.4), dbSNP rs132630287, ClinGen allele CA255699.

ClinVar aggregate classification (germline): Uncertain significance. Review status: criteria provided, multiple submitters, no conflicts (2 of 4 stars). 3 submissions from 3 submitters: Uncertain significance (2). 1 of the submissions does not count toward it. Last evaluated 2024-11-12.

Conditions:
Hereditary spastic paraplegia 2 (SPG2). Also called: SPASTIC PARAPLEGIA 2, X-LINKED; Spastic Paraplegia 2 (SPG2). Identifiers: Orphanet 99015, MedGen C0751604, MONDO:0010733, OMIM 312920.
Pelizaeus-Merzbacher disease. Also called: Pelizeaus-Merzbacher spectrum disorder; LEUKODYSTROPHY, HYPOMYELINATING, 1; Sudanophilic leukodystrophy; Pelizaeus-Merzbacher spectrum disorder; Pelizaeus-Merzbacher Disease (PMD). Identifiers: Orphanet 702, MedGen C0205711, MONDO:0010714, OMIM 312080, HP:0003269.

Submissions (3):

GeneDx
Classification: Uncertain significance. Last evaluated: 2024-11-12. Review status: criteria provided, single submitter. Criteria: GeneDx Variant Classification Process June 2021. Collection method: clinical testing. Allele origin: germline. Affected: yes.
Comment: Missense variants in this gene are a common cause of disease and they are underrepresented in the general population; In silico analysis supports that this missense variant has a deleterious effect on protein structure/function; Not observed at significant frequency in large population cohorts (gnomAD); This variant is associated with the following publications: (PMID: 36672024, 30314286, 24139698, 8012387)

Molecular Diagnostics Lab, Nemours Children's Health, Delaware
Classification: Uncertain significance for Pelizaeus-Merzbacher disease. Last evaluated: 2021-11-24. Review status: criteria provided, single submitter. Criteria: ACMG Guidelines, 2015. Collection method: clinical testing. Allele origin: maternal, unknown. Inheritance: X-linked inheritance. Affected: yes and no. Observed: 1 heterozygote, 1 hemizygote.
Comment: This missense variant (c.418C>T, p.His140Tyr) has not been observed in population databases (gnomAD). It has been described in the literature (PMID 8012387). There is insufficient evidence available to provide a classification other than uncertain significance for this variant.

OMIM
Classification: Pathogenic for SPASTIC PARAPLEGIA 2. Last evaluated: 1994-03-01. Review status: no assertion criteria provided. Collection method: literature only. Allele origin: germline. Not counted in ClinVar's aggregate classification.

Literature cited by the submitters: PubMed 8012387 (cited by Molecular Diagnostics Lab, Nemours Children's Health, Delaware and OMIM); PubMed 8320699 (cited by OMIM).